The following is an entry in ClinVar:

NM_004360.5(CDH1):c.498T>G (p.Asn166Lys)

Gene: CDH1 (cadherin 1; plus strand). Cytogenetic location: 16q22.1.
Variant type: single nucleotide variant.
Coding change: c.498T>G on transcript NM_004360.5 (MANE Select); coding-DNA position 498, T replaced by G.
Protein change: p.Asn166Lys; replaces asparagine 166 with lysine.
Molecular consequence: missense variant. On other transcripts: 5 prime UTR variant (2).
Genome position (GRCh38, 1-based): chr16:68,808,534, T>G. VCF-style: chr16-68808534-T-G. GRCh37 (hg19) VCF-style: chr16-68842437-T-G.
Other names: c.498T>G (LRG_301t1); c.498T>G, p.Asn166Lys (NM_001317184.2); c.-1118T>G (NM_001317185.2); c.-1322T>G (NM_001317186.2); short protein forms N166K.
Identifiers: ClinVar variation 463784 (VCV000463784.18), dbSNP rs1555515224, ClinGen allele CA396457751.
Genomic context (GRCh38, chr16:68,808,534, plus strand): 5'-TCCTGGCCTCAGAAGACAGAAGAGAGACTGGGTTATTCCTCCCATCAGCTGCCCAGAAAA[T>G]GAAAAAGGCCCATTTCCTAAAAACCTGGTTCAGGTAGAGAAAGAAGTTCTCTGTTTCTCT-3'
Protein context (NP_004351.1, residues 156-176): WVIPPISCPE[Asn166Lys]EKGPFPKNLV

ClinVar aggregate classification (germline): Uncertain significance. Review status: criteria provided, multiple submitters, no conflicts (2 of 4 stars). 3 submissions from 3 submitters: Uncertain significance (3). Last evaluated 2024-11-19.

Conditions:
Hereditary cancer-predisposing syndrome. Also called: Hereditary neoplastic syndrome; Neoplastic Syndromes, Hereditary; Tumor predisposition; Hereditary Cancer Syndrome. Identifiers: Orphanet 140162, MedGen C0027672, MeSH D009386, MONDO:0015356.
Hereditary diffuse gastric adenocarcinoma (HDGC). Also called: DIFFUSE GASTRIC AND LOBULAR BREAST CANCER SYNDROME. Identifiers: Orphanet 26106, MedGen C1708349, MONDO:0007648, OMIM 137215.

Submissions (3):

Labcorp Genetics (formerly Invitae), Labcorp
Classification: Uncertain significance for Hereditary diffuse gastric adenocarcinoma. Last evaluated: 2024-11-19. Review status: criteria provided, single submitter. Criteria: Invitae Variant Classification Sherloc (09022015). Collection method: clinical testing. Allele origin: germline.
Comment: This sequence change replaces asparagine, which is neutral and polar, with lysine, which is basic and polar, at codon 166 of the CDH1 protein (p.Asn166Lys). This variant is not present in population databases (gnomAD no frequency). This variant has not been reported in the literature in individuals affected with CDH1-related conditions. ClinVar contains an entry for this variant (Variation ID: 463784). An algorithm developed to predict the effect of missense changes on protein structure and function (PolyPhen-2) suggests that this variant is likely to be disruptive. In summary, the available evidence is currently insufficient to determine the role of this variant in disease. Therefore, it has been classified as a Variant of Uncertain Significance.

Color Diagnostics, LLC DBA Color Health
Classification: Uncertain significance for Hereditary cancer-predisposing syndrome. Last evaluated: 2024-03-06. Review status: criteria provided, single submitter. Criteria: ACMG Guidelines, 2015. Collection method: clinical testing. Allele origin: germline.
Comment: This missense variant replaces asparagine with lysine at codon 166 of the CDH1 protein. Computational prediction is inconclusive regarding the impact of this variant on protein structure and function (internally defined REVEL score threshold 0.5 < inconclusive < 0.7, PMID: 27666373). Splice site prediction tools suggest that this variant may not impact RNA splicing. To our knowledge, functional studies have not been performed for this variant. This variant has not been reported in individuals affected with hereditary cancer in the literature. This variant has not been identified in the general population by the Genome Aggregation Database (gnomAD). The available evidence is insufficient to determine the role of this variant in disease conclusively. Therefore, this variant is classified as a Variant of Uncertain Significance.

Ambry Genetics
Classification: Uncertain significance for Hereditary cancer-predisposing syndrome. Last evaluated: 2023-06-27. Review status: criteria provided, single submitter. Criteria: Ambry Variant Classification Scheme 2023. Collection method: clinical testing. Allele origin: germline.
Comment: The p.N166K variant (also known as c.498T>G), located in coding exon 4 of the CDH1 gene, results from a T to G substitution at nucleotide position 498. The asparagine at codon 166 is replaced by lysine, an amino acid with similar properties. This amino acid position is conserved. In addition, the in silico prediction for this alteration is inconclusive. Since supporting evidence is limited at this time, the clinical significance of this alteration remains unclear.